The following is an entry in ClinVar:

NM_001042681.2(RERE):c.3704C>A (p.Pro1235Gln)

Gene: RERE (arginine-glutamic acid dipeptide repeats; minus strand). Cytogenetic location: 1p36.23.
Variant type: single nucleotide variant.
Coding change: c.3704C>A on transcript NM_001042681.2 (MANE Select); coding-DNA position 3704, C replaced by A.
Protein change: p.Pro1235Gln; replaces proline 1235 with glutamine.
Molecular consequence: missense variant.
Genome position (GRCh38, 1-based): chr1:8,358,831, G>T on the plus strand (C>A on the coding strand, the complement: RERE is on the minus strand). VCF-style: chr1-8358831-G-T. GRCh37 (hg19) VCF-style: chr1-8418891-G-T.
Other names: c.2042C>A, p.Pro681Gln (NM_001042682.2); c.3704C>A, p.Pro1235Gln (NM_012102.4); short protein forms P681Q, P1235Q.
Identifiers: ClinVar variation 2076847 (VCV002076847.4), dbSNP rs1641420662, ClinGen allele CA338170011.

ClinVar aggregate classification (germline): Uncertain significance (1 of 4 stars; one submission).

Submission:

Labcorp Genetics (formerly Invitae), Labcorp
Classification: Uncertain significance. Last evaluated: 2025-02-18. Review status: criteria provided, single submitter. Criteria: Invitae Variant Classification Sherloc (09022015). Collection method: clinical testing. Allele origin: germline.
Comment: This sequence change replaces proline, which is neutral and non-polar, with glutamine, which is neutral and polar, at codon 1235 of the RERE protein (p.Pro1235Gln). This variant is not present in population databases (gnomAD no frequency). This variant has not been reported in the literature in individuals affected with RERE-related conditions. ClinVar contains an entry for this variant (Variation ID: 2076847). Invitae Evidence Modeling of protein sequence and biophysical properties (such as structural, functional, and spatial information, amino acid conservation, physicochemical variation, residue mobility, and thermodynamic stability) has been performed for this missense variant. However, the output from this modeling did not meet the statistical confidence thresholds required to predict the impact of this variant on RERE protein function. In summary, the available evidence is currently insufficient to determine the role of this variant in disease. Therefore, it has been classified as a Variant of Uncertain Significance.